The following is an entry in ClinVar:

ClinVar aggregate classification (germline): Uncertain significance (1 of 4 stars; one submission).

Conditions:
CPE-related disorder. Also called: CPE-related condition.

Allele frequency attached by ClinVar (database versions not stated): ExAC 0.00001; TOPMed 0.00007; ESP Exome Variant Server 0.00008; gnomAD 0.00012; gnomAD exomes below 0.00001.

Submission:

PreventionGenetics, part of Exact Sciences
Classification: Uncertain significance for CPE-related condition. Last evaluated: 2026-02-25. Review status: criteria provided, single submitter. Criteria: ACMG Guidelines, 2015. Collection method: clinical testing. Allele origin: germline.
Comment: The CPE c.968C>T variant is predicted to result in the amino acid substitution p.Pro323Leu. To our knowledge, this variant has not been reported in the literature. This variant is reported in 0.032% of alleles in individuals of African descent in gnomAD. At this time, the clinical significance of this variant is uncertain due to the absence of conclusive functional and genetic evidence.

NM_001873.4(CPE):c.968C>T (p.Pro323Leu)

Gene: CPE (carboxypeptidase E; plus strand). Cytogenetic location: 4q32.3.
Variant type: single nucleotide variant.
Coding change: c.968C>T on transcript NM_001873.4 (MANE Select); coding-DNA position 968, C replaced by T.
Protein change: p.Pro323Leu; replaces proline 323 with leucine.
Molecular consequence: missense variant.
Genome position (GRCh38, 1-based): chr4:165,484,599, C>T. VCF-style: chr4-165484599-C-T. GRCh37 (hg19) VCF-style: chr4-166405751-C-T.
Other names: short protein forms P323L.
Identifiers: ClinVar variation 3031052 (VCV003031052.3), dbSNP rs139195612, ClinGen allele CA3130329.